The following is an entry in ClinVar:

ClinVar aggregate classification (germline): Uncertain significance (1 of 4 stars; one submission).

Submission:

GeneDx
Classification: Uncertain significance. Last evaluated: 2024-01-02. Review status: criteria provided, single submitter. Criteria: GeneDx Variant Classification Process June 2021. Collection method: clinical testing. Allele origin: germline. Affected: yes.
Comment: In silico analysis supports that this variant does not alter splicing; Has not been previously published as pathogenic or benign to our knowledge

NM_004700.4(KCNQ4):c.639C>T (p.Arg213=)

Gene: KCNQ4 (potassium voltage-gated channel subfamily Q member 4; plus strand). Cytogenetic location: 1p34.2.
Variant type: single nucleotide variant.
Coding change: c.639C>T on transcript NM_004700.4 (MANE Select); coding-DNA position 639, C replaced by T.
Protein change: p.Arg213=; no amino-acid change (arginine 213 retained).
Molecular consequence: synonymous variant.
Genome position (GRCh38, 1-based): chr1:40,818,611, C>T. VCF-style: chr1-40818611-C-T. GRCh37 (hg19) VCF-style: chr1-41284283-C-T.
Other names: c.639C>T, p.Arg213= (NM_172163.3).
Identifiers: ClinVar variation 3365926 (VCV003365926.1).
Genomic context (GRCh38, chr1:40,818,611, plus strand): 5'-CCAGGGCAACATCTTCGCCACGTCCGCGCTGCGCAGCATGCGCTTCCTGCAGATCCTGCG[C>T]ATGGTGCGCATGGACCGCCGCGGCGGCACCTGGAAGCTGCTGGGCTCAGTGGTCTACGCG-3'
Protein context (NP_004691.2, residues 203-223): LRSMRFLQIL[Arg213=]MVRMDRRGGT